The following is an entry in ClinVar:

ClinVar aggregate classification (germline): Conflicting classifications of pathogenicity. Review status: criteria provided, conflicting classifications (1 of 4 stars). 2 submissions from 2 submitters: Uncertain significance (1); Likely benign (1). Last evaluated 2025-07-06.

Allele frequency attached by ClinVar (database versions not stated): gnomAD exomes 0.00001; TOPMed 0.00001.
gnomAD v4.1: 13 of 1,610,854 alleles (0.00081%); highest among the groups gnomAD compares: Admixed American, 0.0017%; no homozygotes.

Submissions (2):

Labcorp Genetics (formerly Invitae), Labcorp
Classification: Likely benign. Last evaluated: 2025-07-06. Review status: criteria provided, single submitter. Criteria: Invitae Variant Classification Sherloc (09022015). Collection method: clinical testing. Allele origin: germline.

Athena Diagnostics
Classification: Uncertain significance. Last evaluated: 2022-10-21. Review status: criteria provided, single submitter. Criteria: Athena Diagnostics Criteria. Collection method: clinical testing. Allele origin: unknown.
Comment: Available data are insufficient to determine the clinical significance of the variant at this time. This variant has not been reported in large, multi-ethnic general populations. Computational tools yielded predictions that this variant is unlikely to have an effect on normal RNA splicing.

NM_006946.4(SPTBN2):c.6567G>A (p.Pro2189=)

Gene: SPTBN2 (spectrin beta, non-erythrocytic 2; minus strand). Cytogenetic location: 11q13.2.
Variant type: single nucleotide variant.
Coding change: c.6567G>A on transcript NM_006946.4 (MANE Select); coding-DNA position 6567, G replaced by A.
Protein change: p.Pro2189=; no amino-acid change (proline 2189 retained).
Molecular consequence: synonymous variant.
Genome position (GRCh38, 1-based): chr11:66,687,582, C>T on the plus strand (G>A on the coding strand, the complement: SPTBN2 is on the minus strand). VCF-style: chr11-66687582-C-T. GRCh37 (hg19) VCF-style: chr11-66455053-C-T.
Other names: c.6588G>A, p.Pro2196= (NM_001411025.1).
Identifiers: ClinVar variation 2684356 (VCV002684356.2), dbSNP rs919248019, ClinGen allele CA224074930.
Genomic context (GRCh38, chr11:66,687,582, plus strand): 5'-CGGCAGGGTGGCAGCATGGGCTGACTCGGTAGACCTGCTCTGGGGCATTGCAGATGGGGC[C>T]GGGCCCCGAGTCCGGGTCTGCCTCTCTCCCCGGGGCCCATTGGCTTCGTCCCCTGAGCCA-3'
Protein context (NP_008877.2, residues 2179-2199): RGERQTRTRG[Pro2189=]APSAMPQSRS